The following is an entry in ClinVar:

NM_003000.3(SDHB):c.540_540+13del

Gene: SDHB (succinate dehydrogenase complex iron sulfur subunit B; minus strand). Cytogenetic location: 1p36.13.
Variant type: Deletion.
Coding change: c.540_540+13del on transcript NM_003000.3 (MANE Select); coding-DNA position 540 through 13 bases into the intron after coding-DNA position 540, 14 bases deleted (GGTCATTAGTCCCT).
Molecular consequence: splice donor variant.
Genome position (GRCh38, 1-based): chr1:17,027,736-17,027,749, AGGGACTAATGACC deleted on the plus strand (GGTCATTAGTCCCT on the coding strand, the reverse complement: SDHB is on the minus strand); deleting any 14 consecutive bases within chr1:17,027,736-17,027,751 gives the same sequence; the c. name uses the placement nearest the transcript's 3' end. VCF-style (leftmost placement, unchanged base first): chr1-17027735-TAGGGACTAATGACC-T. GRCh37 (hg19) VCF-style: chr1-17354230-TAGGGACTAATGACC-T.
Other names: c.540_540+13delGGTCATTAGTCCCT (NM_003000.2).
Identifiers: ClinVar variation 468236 (VCV000468236.4), dbSNP rs1553177666, ClinGen allele CA658656888.

ClinVar aggregate classification (germline): Pathogenic/Likely pathogenic. Review status: criteria provided, single submitter (1 of 4 stars). 2 submissions from 1 submitter: Pathogenic (1); Likely pathogenic (1). Last evaluated 2025-10-28.

Conditions:
Pheochromocytoma. Also called: MAX-Related Hereditary Paraganglioma-Pheochromocytoma Syndrome. Identifiers: Orphanet 29072, MedGen C0031511, MONDO:0008233, OMIM 171300, HP:0002666.
Pheochromocytoma/paraganglioma syndrome 4. Also called: SDHB-Related Hereditary Paraganglioma-Pheochromocytoma Syndrome (Paragangliomas 4); CAROTID BODY TUMORS AND MULTIPLE EXTRAADRENAL PHEOCHROMOCYTOMAS; PARAGANGLIOMA, FAMILIAL MALIGNANT; PARAGANGLIOMAS, HEREDITARY EXTRAADRENAL; SDHB-Related Hereditary Paraganglioma-Pheochromocytoma Syndrome; PHEOCHROMOCYTOMA, FAMILIAL EXTRAADRENAL. Identifiers: Orphanet 29072, MedGen C1861848, MONDO:0007273, OMIM 115310.
Gastrointestinal stromal tumor. Also called: Gastrointestinal stroma tumor; Gastrointestinal stromal tumor, somatic. Identifiers: Orphanet 44890, MedGen C0238198, MeSH D046152, MONDO:0011719, OMIM 606764, HP:0100723.

Submissions (2):

Labcorp Genetics (formerly Invitae), Labcorp
Classification: Pathogenic for Gastrointestinal stromal tumor; Pheochromocytoma/paraganglioma syndrome 4; Pheochromocytoma. Last evaluated: 2025-10-28. Review status: criteria provided, single submitter. Criteria: Invitae Variant Classification Sherloc (09022015). Collection method: clinical testing. Allele origin: germline.
Comment: This variant results in the deletion of part of exon 5 (c.540_540+13del) of the SDHB gene. It is expected to disrupt RNA splicing. Variants that disrupt the donor or acceptor splice site typically lead to a loss of protein function (PMID: 16199547), and loss-of-function variants in SDHB are known to be pathogenic (PMID: 19454582, 19802898). This variant is not present in population databases (gnomAD no frequency). This variant has been observed in individuals with paraganglioma (internal data). ClinVar contains an entry for this variant (Variation ID: 468236). Studies have shown that this variant is associated with inconclusive levels of altered splicing (internal data). For these reasons, this variant has been classified as Pathogenic.

Labcorp Genetics (formerly Invitae), Labcorp
Classification: Likely pathogenic for Pheochromocytoma/paraganglioma syndrome 4. Last evaluated: 2017-07-14. Review status: criteria provided, single submitter. Criteria: Invitae Variant Classification Sherloc (09022015). Collection method: clinical testing. Allele origin: germline.
Comment: This sequence change affects a donor splice site in intron 5 of the SDHB gene. It is expected to disrupt RNA splicing and likely results in an absent or disrupted protein product. This variant is not present in population databases (ExAC no frequency). This variant has not been reported in the literature in individuals with SDHB-related disease. Algorithms developed to predict the effect of sequence changes on RNA splicing suggest that this variant may disrupt the consensus splice site, but this prediction has not been confirmed by published transcriptional studies. Donor and acceptor splice site variants typically lead to a loss of protein function (PMID: 16199547), and loss-of-function variants in SDHB are known to be pathogenic (PMID: 19802898, 19454582). In summary, the currently available evidence indicates that the variant is pathogenic, but additional data are needed to prove that conclusively. Therefore, this variant has been classified as Likely Pathogenic.

Literature cited by the submitters: PubMed 16199547; PubMed 19454582; PubMed 19802898.